The following is an entry in ClinVar:

NM_002616.3(PER1):c.717C>T (p.Ala239=)

Gene: PER1 (period circadian regulator 1; minus strand). Cytogenetic location: 17p13.1.
Variant type: single nucleotide variant.
Coding change: c.717C>T on transcript NM_002616.3 (MANE Select); coding-DNA position 717, C replaced by T.
Protein change: p.Ala239=; no amino-acid change (alanine 239 retained).
Molecular consequence: synonymous variant.
Genome position (GRCh38, 1-based): chr17:8,149,598, G>A on the plus strand (C>T on the coding strand, the complement: PER1 is on the minus strand). VCF-style: chr17-8149598-G-A. GRCh37 (hg19) VCF-style: chr17-8052916-G-A.
Identifiers: ClinVar variation 2647448 (VCV002647448.24), dbSNP rs775106071, ClinGen allele CA8369993.

ClinVar aggregate classification (germline): Likely benign (1 of 4 stars; one submission).

Allele frequency attached by ClinVar (database versions not stated): ExAC 0.00008; gnomAD exomes 0.00008; gnomAD 0.00009; TOPMed 0.00011.
gnomAD v4.1: 150 of 1,613,190 alleles (0.0093%); highest among the groups gnomAD compares: Middle Eastern, 0.3%; 1 homozygote.

Submission:

CeGaT Center for Human Genetics Tuebingen
Classification: Likely benign. Last evaluated: 2022-12-01. Review status: criteria provided, single submitter. Criteria: CeGaT Center For Human Genetics Tuebingen Variant Classification Criteria Version 2. Collection method: clinical testing. Allele origin: germline. Affected: yes. Observed: 1 variant allele.
Comment: PER1: BP4, BP7